The following is an entry in ClinVar:

NM_024876.4(COQ8B):c.934G>A (p.Val312Met)

Gene: COQ8B (coenzyme Q8B; minus strand). Cytogenetic location: 19q13.2.
Variant type: single nucleotide variant.
Coding change: c.934G>A on transcript NM_024876.4 (MANE Select); coding-DNA position 934, G replaced by A.
Protein change: p.Val312Met; replaces valine 312 with methionine.
Molecular consequence: missense variant.
Genome position (GRCh38, 1-based): chr19:40,700,411, C>T on the plus strand (G>A on the coding strand, the complement: COQ8B is on the minus strand). VCF-style: chr19-40700411-C-T. GRCh37 (hg19) VCF-style: chr19-41206316-C-T.
Other names: c.811G>A, p.Val271Met (NM_001142555.3); short protein forms V271M, V312M.
Identifiers: ClinVar variation 2150411 (VCV002150411.4), dbSNP rs776342195, ClinGen allele CA9450207.

ClinVar aggregate classification (germline): Uncertain significance (1 of 4 stars; one submission).

Allele frequency attached by ClinVar (database versions not stated): ExAC 0.00003; gnomAD 0.00004; TOPMed 0.00004.
gnomAD v4.1: 30 of 1,613,940 alleles (0.0019%); highest among the groups gnomAD compares: African/African-American, 0.013%; no homozygotes.

Submission:

Labcorp Genetics (formerly Invitae), Labcorp
Classification: Uncertain significance. Last evaluated: 2022-05-21. Review status: criteria provided, single submitter. Criteria: Invitae Variant Classification Sherloc (09022015). Collection method: clinical testing. Allele origin: germline.
Comment: In summary, the available evidence is currently insufficient to determine the role of this variant in disease. Therefore, it has been classified as a Variant of Uncertain Significance. Algorithms developed to predict the effect of missense changes on protein structure and function are either unavailable or do not agree on the potential impact of this missense change (SIFT: "Deleterious"; PolyPhen-2: "Probably Damaging"; Align-GVGD: "Class C15"). This variant has not been reported in the literature in individuals affected with COQ8B-related conditions. This variant is present in population databases (rs776342195, gnomAD 0.03%). This sequence change replaces valine, which is neutral and non-polar, with methionine, which is neutral and non-polar, at codon 312 of the COQ8B protein (p.Val312Met).